The following is an entry in ClinVar:

NM_001323289.2(CDKL5):c.872G>A (p.Cys291Tyr)

Gene: CDKL5 (cyclin dependent kinase like 5; plus strand). Cytogenetic location: Xp22.13.
Variant type: single nucleotide variant.
Coding change: c.872G>A on transcript NM_001323289.2 (MANE Select); coding-DNA position 872, G replaced by A.
Protein change: p.Cys291Tyr; replaces cysteine 291 with tyrosine.
Molecular consequence: missense variant.
Genome position (GRCh38, 1-based): chrX:18,598,508, G>A. VCF-style: chrX-18598508-G-A. GRCh37 (hg19) VCF-style: chrX-18616628-G-A.
Other names: NM_001323289.2(CDKL5):c.872G>A; c.872G>A, p.Cys291Tyr (NM_001037343.2, NM_003159.3); short protein forms C291Y.
Identifiers: ClinVar variation 11505 (VCV000011505.17), dbSNP rs267606714, ClinGen allele CA121527.

ClinVar aggregate classification (germline): Uncertain significance. Review status: reviewed by expert panel (3 of 4 stars). 5 submissions from 5 submitters: Uncertain significance (1). 4 of the submissions do not count toward it. Last evaluated 2022-08-25.

Conditions:
CDKL5 disorder. Identifiers: MedGen CN296942, MONDO:0100039.
Developmental and epileptic encephalopathy, 2 (DEE2). Also called: INFANTILE SPASM SYNDROME, X-LINKED 2; CDKL5 deficiency disorder. Identifiers: Orphanet 1934, Orphanet 3451, Orphanet 505652, MedGen C4750718, MONDO:0010396, OMIM 300672.
Angelman syndrome-like. Identifiers: MedGen CN128785.

Submissions (5):

ClinGen Rett and Angelman-like Disorders Variant Curation Expert Panel
Classification: Uncertain significance for CDKL5 disorder. Last evaluated: 2022-08-25. Review status: reviewed by expert panel. Criteria: ClinGen RettAS ACMG Specifications V2. Collection method: curation. Allele origin: germline. Inheritance: X-linked inheritance.
Comment: The p.Cys291Tyr variant in CDKL5 has been reported as a de novo occurrence (biological parentage unconfirmed) in an individual with severe early-onset encephalopathy (PMID 18809835) (PM6). The p.Cys291Tyr variant in CDKL5 is absent from gnomAD (PM2_Supporting). The p.Cys291Tyr variant has been observed in at least 1 other individual with CDKL5-related disorder (PMID 18809835, PMID 25657822) (PS4_Supporting). In summary, the p.Cys291Tyr variant in CDKL5 is classified as a variant of unknown significance based on the ACMG/AMP criteria (PM6, PM2_Supporting, PS4_Supporting).

Centre for Population Genomics, CPG
Classification: Uncertain significance for CDKL5 disorder. Last evaluated: 2024-09-09. Review status: criteria provided, single submitter. Criteria: McKnight et al. (Hum Mutat. 2022). Collection method: curation. Allele origin: germline. Inheritance: X-linked inheritance. Not counted in ClinVar's aggregate classification.
Comment: This variant has been collected from RettBASE and curated to current modified ACMG/AMP criteria. Based on the classification scheme defined by the ClinGen Rett/Angelman-like Expert Panel for Rett/AS-like Disorders Specifications to the ACMG/AMP Variant Interpretation Guidelines VCEP 3.0, this variant is classified as a variant of uncertain significance. At least the following criteria are met: This variant has been identified as a de novo occurrence in an individual with CDKL5 disorder without confirmation of paternity and maternity (PM6, PMID: 18809835). Has been observed in at least 2 individuals with phenotypes consistent with CDKL5 disorder (PS4_Supporting, PMID: 25657822, PMID: 18809835). This variant is absent from gnomAD (PM2_Supporting).

Labcorp Genetics (formerly Invitae), Labcorp
Classification: Uncertain significance for Developmental and epileptic encephalopathy, 2; Angelman syndrome-like. Last evaluated: 2022-08-15. Review status: criteria provided, single submitter. Criteria: Invitae Variant Classification Sherloc (09022015). Collection method: clinical testing. Allele origin: germline. Not counted in ClinVar's aggregate classification.
Comment: ClinVar contains an entry for this variant (Variation ID: 11505). This sequence change replaces cysteine, which is neutral and slightly polar, with tyrosine, which is neutral and polar, at codon 291 of the CDKL5 protein (p.Cys291Tyr). This variant is not present in population databases (gnomAD no frequency). This missense change has been observed in individual(s) with clinical features of CDKL5-related disorder (PMID: 18809835, 25657822). Advanced modeling of protein sequence and biophysical properties (such as structural, functional, and spatial information, amino acid conservation, physicochemical variation, residue mobility, and thermodynamic stability) performed at Invitae indicates that this missense variant is expected to disrupt CDKL5 protein function. In summary, the available evidence is currently insufficient to determine the role of this variant in disease. Therefore, it has been classified as a Variant of Uncertain Significance.

RettBASE
Classification: Uncertain significance for Epileptic encephalopathy, early infantile, 2. Last evaluated: 2014-03-13. Review status: no assertion criteria provided. Collection method: curation. Allele origin: unknown. Affected: yes. Observed: 1 variant allele. Not counted in ClinVar's aggregate classification.
Comment: Conserved residue; In silico prediction: SIFT = deleterious, MutationTaster = disease-causing, PolyPhen2 = probably damaging, AlignGVGD = benign (C0)

OMIM
Classification: Pathogenic for DEVELOPMENTAL AND EPILEPTIC ENCEPHALOPATHY 2. Last evaluated: 2008-09-23. Review status: no assertion criteria provided. Collection method: literature only. Allele origin: germline. Not counted in ClinVar's aggregate classification.

Literature cited by the submitters: PubMed 18809835 (cited by 3 submitters); PubMed 25657822 (cited by Labcorp Genetics (formerly Invitae), Labcorp).